The following is an entry in ClinVar:

NM_000492.4(CFTR):c.2605del (p.Ile869fs)

Gene: CFTR (CF transmembrane conductance regulator; plus strand). Cytogenetic location: 7q31.2.
Variant type: Deletion.
Coding change: c.2605del on transcript NM_000492.4 (MANE Select); coding-DNA position 2605, one base deleted (A; older notation c.2605delA).
Protein change: p.Ile869fs; shifts the reading frame from isoleucine 869.
Molecular consequence: frameshift variant.
Genome position (GRCh38, 1-based): chr7:117,595,044, A deleted; the last of 2 consecutive A bases (chr7:117,595,043-117,595,044); deleting either gives the same sequence. VCF-style (leftmost placement, unchanged base first): chr7-117595042-TA-T. GRCh37 (hg19) VCF-style: chr7-117235096-TA-T.
Other names: short protein forms I869fs.
Identifiers: ClinVar variation 1793718 (VCV001793718.2), dbSNP rs2485114027, ClinGen allele CA2580076596.
Genomic context (GRCh38, chr7:117,595,042, plus strand): 5'-CATACCTTCGATATATTACTGTCCACAAGAGCTTAATTTTTGTGCTAATTTGGTGCTTAG[TA>T]ATTTTTCTGGCAGAGGTAAGAATGTTCTATTGTAAAGTATTACTGGATTTAAAGTTAAAT-3'

ClinVar aggregate classification (germline): Pathogenic (1 of 4 stars; one submission).

Conditions:
Cystic fibrosis (CF). Also called: MUCOVISCIDOSIS. Identifiers: Orphanet 586, MedGen C0010674, MONDO:0009061, OMIM 219700. Disease mechanism: loss of function.

Submission:

Ambry Genetics
Classification: Pathogenic for Cystic fibrosis. Last evaluated: 2016-04-22. Review status: criteria provided, single submitter. Criteria: Ambry Variant Classification Scheme 2023. Collection method: clinical testing. Allele origin: germline.
Comment: The c.2605delA pathogenic mutation, located in coding exon 15 of the CFTR gene, results from a deletion of one nucleotide at nucleotide position 2605, causing a translational frameshift with a predicted alternate stop codon (p.I869Ffs*37). Since frameshifts are typically deleterious in nature, this alteration is interpreted as a disease-causing mutation (ACMG Recommendations for Standards for Interpretation and Reporting of Sequence Variations. Revision 2007. Genet Med. 2008;10:294).